The following is an entry in ClinVar:

NM_000133.4(F9):c.991G>A (p.Val331Ile)

Gene: F9 (coagulation factor IX; plus strand). Cytogenetic location: Xq27.1.
Variant type: single nucleotide variant.
Coding change: c.991G>A on transcript NM_000133.4 (MANE Select); coding-DNA position 991, G replaced by A.
Protein change: p.Val331Ile; replaces valine 331 with isoleucine.
Molecular consequence: missense variant.
Genome position (GRCh38, 1-based): chrX:139,561,676, G>A. VCF-style: chrX-139561676-G-A. GRCh37 (hg19) VCF-style: chrX-138643835-G-A.
Other names: c.877G>A, p.Val293Ile (NM_001313913.2); short protein forms V293I, V331I.
Identifiers: ClinVar variation 1149534 (VCV001149534.10), dbSNP rs776509489, ClinGen allele CA10529862.
Genomic context (GRCh38, chrX:139,561,676, plus strand): 5'-AAGTACAACCATGACATTGCCCTTCTGGAACTGGACGAACCCTTAGTGCTAAACAGCTAC[G>A]TTACACCTATTTGCATTGCTGACAAGGAATACACGAACATCTTCCTCAAATTTGGATCTG-3'
Protein context (NP_000124.1, residues 321-341): LDEPLVLNSY[Val331Ile]TPICIADKEY

ClinVar aggregate classification (germline): Conflicting classifications of pathogenicity. Review status: criteria provided, conflicting classifications (1 of 4 stars). 2 submissions from 2 submitters: Uncertain significance (1); Likely benign (1). Last evaluated 2025-09-23.

Conditions:
Thrombophilia, X-linked, due to factor 9 defect. Identifiers: MedGen C2749016, MONDO:0010432, OMIM 300807.
Hereditary factor IX deficiency disease (HEMB). Also called: F9 DEFICIENCY; FACTOR IX DEFICIENCY; PLASMA THROMBOPLASTIN COMPONENT DEFICIENCY; Christmas Disease; Hemophilia B. Identifiers: Orphanet 98879, MedGen C0008533, MeSH D002836, MONDO:0010604, OMIM 306900.

Allele frequency attached by ClinVar (database versions not stated): gnomAD exomes 0.00001 and 0.00005; TOPMed 0.00001; ExAC 0.00002.

Submissions (2):

Women's Health and Genetics/Laboratory Corporation of America, LabCorp
Classification: Uncertain significance. Last evaluated: 2025-09-23. Review status: criteria provided, single submitter. Criteria: LabCorp Variant Classification Summary - May 2015. Collection method: clinical testing. Allele origin: germline.
Comment: Variant summary: F9 c.991G>A (p.Val331Ile) results in a conservative amino acid change in the encoded protein sequence. Algorithms developed to predict the effect of missense changes on protein structure and function are either unavailable or do not agree on the potential impact of this missense change. The variant allele was found at a frequency of 4.9e-05 in 183414 control chromosomes. The available data on variant occurrences in the general population are insufficient to allow any conclusion about variant significance. To our knowledge, no occurrence of c.991G>A in individuals affected with F9-related conditions and no experimental evidence demonstrating its impact on protein function have been reported. ClinVar contains an entry for this variant (Variation ID: 1149534). Based on the evidence outlined above, the variant was classified as uncertain significance.

Labcorp Genetics (formerly Invitae), Labcorp
Classification: Likely benign for Thrombophilia, X-linked, due to factor 9 defect; Hereditary factor IX deficiency disease. Last evaluated: 2023-12-13. Review status: criteria provided, single submitter. Criteria: Invitae Variant Classification Sherloc (09022015). Collection method: clinical testing. Allele origin: germline.